The following is an entry in ClinVar:

NM_004960.4(FUS):c.-39A>G

Gene: FUS (FUS RNA binding protein; plus strand). Cytogenetic location: 16p11.2.
Variant type: single nucleotide variant.
Coding change: c.-39A>G on transcript NM_004960.4 (MANE Select); 39 bases upstream of the start codon, A replaced by G.
Molecular consequence: 5 prime UTR variant. On other transcripts: non-coding transcript variant (1).
Genome position (GRCh38, 1-based): chr16:31,180,176, A>G. VCF-style: chr16-31180176-A-G. GRCh37 (hg19) VCF-style: chr16-31191497-A-G.
Other names: c.-39A>G (NM_001170634.1, NM_001170937.1).
Identifiers: ClinVar variation 318982 (VCV000318982.8), dbSNP rs67676356, ClinGen allele CA8023333.

ClinVar aggregate classification (germline): Benign/Likely benign. Review status: criteria provided, multiple submitters, no conflicts (2 of 4 stars). 3 submissions from 3 submitters: Benign (1); Likely benign (2). Last evaluated 2019-07-13.

Conditions:
Amyotrophic lateral sclerosis type 6. Also called: FUS-Related Amyotrophic Laterial Sclerosis; AMYOTROPHIC LATERAL SCLEROSIS 6 WITHOUT FRONTOTEMPORAL DEMENTIA; Amyotrophic lateral sclerosis 6, with or without frontotemporal dementia. Identifiers: Orphanet 275872, Orphanet 803, MedGen C2931786, MONDO:0011951, OMIM 608030.

Allele frequency attached by ClinVar (database versions not stated): gnomAD exomes 0.00292; ExAC 0.00441; gnomAD 0.01159 and 0.01242; ESP Exome Variant Server 0.01294; TOPMed 0.01302; 1000 Genomes Project 0.01318; 1000 Genomes Project 30x 0.01546.
gnomAD v4.1: 3,446 of 1,607,188 alleles (0.21%); highest among the groups gnomAD compares: African/African-American, 4%; 61 homozygotes.

Submissions (3):

GeneDx
Classification: Likely benign. Last evaluated: 2019-07-13. Review status: criteria provided, single submitter. Criteria: GeneDx Variant Classification Process June 2021. Collection method: clinical testing. Allele origin: germline. Affected: yes.

Illumina Laboratory Services, Illumina
Classification: Benign for Amyotrophic lateral sclerosis type 6. Last evaluated: 2018-01-12. Review status: criteria provided, single submitter. Criteria: ICSL Variant Classification Criteria 13 December 2019. Collection method: clinical testing. Allele origin: germline.
Comment: This variant was observed in the ICSL laboratory as part of a predisposition screen in an ostensibly healthy population. It had not been previously curated by ICSL or reported in the Human Gene Mutation Database (HGMD: prior to June 1st, 2018), and was therefore a candidate for classification through an automated scoring system. Utilizing variant allele frequency, disease prevalence and penetrance estimates, and inheritance mode, an automated score was calculated to assess if this variant is too frequent to cause the disease. Based on the score and internal cut-off values, a variant classified as benign is not then subjected to further curation. The score for this variant resulted in a classification of benign for this disease.

Breakthrough Genomics
Classification: Likely benign. Review status: criteria provided, single submitter. Criteria: ACMG Guidelines, 2015. Collection method: not provided. Allele origin: germline. Inheritance: Autosomal dominant inheritance. Affected: yes.